The following is an entry in ClinVar:

ClinVar aggregate classification (germline): Pathogenic. Review status: criteria provided, multiple submitters, no conflicts (2 of 4 stars). 2 submissions from 2 submitters: Pathogenic (2). Last evaluated 2023-07-14.

Conditions:
Early-infantile DEE. Also called: Early infantile epileptic encephalopathy; Early infantile epileptic encephalopathy with suppression bursts; Ohtahara syndrome. Identifiers: Orphanet 1934, MedGen C0393706, MONDO:0800491.

Submissions (2):

Labcorp Genetics (formerly Invitae), Labcorp
Classification: Pathogenic for Early-infantile DEE. Last evaluated: 2023-07-14. Review status: criteria provided, single submitter. Criteria: Invitae Variant Classification Sherloc (09022015). Collection method: clinical testing. Allele origin: germline.
Comment: For these reasons, this variant has been classified as Pathogenic. This variant disrupts a region of the SCN1A protein in which other variant(s) (p.Arg28Cys) have been determined to be pathogenic (PMID: 18804930; Invitae). This suggests that this is a clinically significant region of the protein, and that variants that disrupt it are likely to be disease-causing. ClinVar contains an entry for this variant (Variation ID: 461262). Disruption of the initiator codon has been observed in individual(s) with Dravet syndrome (PMID: 18930999, 21248271). This variant is not present in population databases (gnomAD no frequency). This sequence change affects the initiator methionine of the SCN1A mRNA. The next in-frame methionine is located at codon 72.

GeneDx
Classification: Pathogenic. Last evaluated: 2017-11-01. Review status: criteria provided, single submitter. Criteria: GeneDx Variant Classification (06012015). Collection method: clinical testing. Allele origin: germline. Affected: yes.
Comment: The c.2 T>C pathogenic variant in the SCN1A gene has been reported previously in a patient with Dravet syndrome (Zuberi et al., 2011). The variant alters the initiator Methionine codon, and the resultant protein would be described as p.Met1?" using a question mark to signify that it is not known if the loss of Met1 means that all protein translation is completely prevented or if an abnormal protein is produced using an alternate Met. Therefore, c.2 T>C is interpreted to be a pathogenic variant."

Literature cited by the submitters: PubMed 18804930 (cited by Labcorp Genetics (formerly Invitae), Labcorp); PubMed 18930999 (cited by Labcorp Genetics (formerly Invitae), Labcorp); PubMed 21248271 (cited by Labcorp Genetics (formerly Invitae), Labcorp).

NM_001165963.4(SCN1A):c.2T>C (p.Met1Thr)

Gene: SCN1A (sodium voltage-gated channel alpha subunit 1; minus strand). Cytogenetic location: 2q24.3.
Variant type: single nucleotide variant.
Coding change: c.2T>C on transcript NM_001165963.4 (MANE Select); coding-DNA position 2, T replaced by C.
Protein change: p.Met1Thr; changes the start codon (methionine 1).
Molecular consequence: missense variant, initiator codon variant. On other transcripts: 5 prime UTR variant (1), non-coding transcript variant (1).
Genome position (GRCh38, 1-based): chr2:166,073,620, A>G on the plus strand (T>C on the coding strand, the complement: SCN1A is on the minus strand). VCF-style: chr2-166073620-A-G. GRCh37 (hg19) VCF-style: chr2-166930130-A-G.
Other names: c.2T>C, p.Met1Thr (NM_001165964.3, NM_001202435.3, NM_001353948.2 and 10 more transcripts); c.-2424T>C (NM_001353961.2); short protein forms M1T.
Identifiers: ClinVar variation 461262 (VCV000461262.10), dbSNP rs1553561023, ClinGen allele CA349243520.